The following is an entry in ClinVar:

ClinVar aggregate classification (germline): Uncertain significance. Review status: criteria provided, multiple submitters, no conflicts (2 of 4 stars). 5 submissions from 4 submitters: Uncertain significance (5). Last evaluated 2025-10-22.

Conditions:
Senior-Loken syndrome 4 (SLSN4). Identifiers: Orphanet 3156, MedGen C1846979, MONDO:0011756, OMIM 606996.
Nephronophthisis 4 (NPHP4). Also called: NEPHRONOPHTHISIS 4, JUVENILE. Identifiers: Orphanet 655, MedGen C1847013, MONDO:0011752, OMIM 606966.
Nephronophthisis. Also called: Juvenile Nephronophthisis. Identifiers: Orphanet 655, MedGen C0687120, MONDO:0019005, HP:0000090.
Inborn genetic diseases. Identifiers: MedGen C0950123, MeSH D030342.

Allele frequency attached by ClinVar (database versions not stated): ExAC 0.00001; gnomAD 0.00001 and 0.00002; gnomAD exomes 0.00002; TOPMed 0.00002; 1000 Genomes Project 30x 0.00016; 1000 Genomes Project 0.00020.
gnomAD v4.1: 36 of 1,605,366 alleles (0.0022%); highest among the groups gnomAD compares: Middle Eastern, 0.017%; no homozygotes.

Submissions (5):

Ambry Genetics
Classification: Uncertain significance for Inborn genetic diseases. Last evaluated: 2025-10-22. Review status: criteria provided, single submitter. Criteria: Ambry Variant Classification Scheme 2023. Collection method: clinical testing. Allele origin: germline.

Labcorp Genetics (formerly Invitae), Labcorp
Classification: Uncertain significance for Nephronophthisis. Last evaluated: 2023-07-13. Review status: criteria provided, single submitter. Criteria: Invitae Variant Classification Sherloc (09022015). Collection method: clinical testing. Allele origin: germline.
Comment: In summary, the available evidence is currently insufficient to determine the role of this variant in disease. Therefore, it has been classified as a Variant of Uncertain Significance. Advanced modeling of protein sequence and biophysical properties (such as structural, functional, and spatial information, amino acid conservation, physicochemical variation, residue mobility, and thermodynamic stability) performed at Invitae indicates that this missense variant is expected to disrupt NPHP4 protein function. ClinVar contains an entry for this variant (Variation ID: 876130). This variant has not been reported in the literature in individuals affected with NPHP4-related conditions. This variant is present in population databases (rs576761309, gnomAD 0.007%). This sequence change replaces serine, which is neutral and polar, with leucine, which is neutral and non-polar, at codon 594 of the NPHP4 protein (p.Ser594Leu).

Mayo Clinic Laboratories, Mayo Clinic
Classification: Uncertain significance. Last evaluated: 2023-05-31. Review status: criteria provided, single submitter. Criteria: ACMG Guidelines, 2015. Collection method: clinical testing. Allele origin: germline. Observed: 1 variant allele.
Comment: PM2

Illumina Laboratory Services, Illumina
Classification: Uncertain significance for Nephronophthisis 4. Last evaluated: 2018-01-13. Review status: criteria provided, single submitter. Criteria: ICSL Variant Classification Criteria 13 December 2019. Collection method: clinical testing. Allele origin: germline.

Illumina Laboratory Services, Illumina
Classification: Uncertain significance for Senior-Loken syndrome 4. Last evaluated: 2018-01-13. Review status: criteria provided, single submitter. Criteria: ICSL Variant Classification Criteria 13 December 2019. Collection method: clinical testing. Allele origin: germline.

NM_015102.5(NPHP4):c.1781C>T (p.Ser594Leu)

Gene: NPHP4 (nephrocystin 4; minus strand). Cytogenetic location: 1p36.31.
Variant type: single nucleotide variant.
Coding change: c.1781C>T on transcript NM_015102.5 (MANE Select); coding-DNA position 1781, C replaced by T.
Protein change: p.Ser594Leu; replaces serine 594 with leucine.
Molecular consequence: missense variant. On other transcripts: non-coding transcript variant (1).
Genome position (GRCh38, 1-based): chr1:5,905,466, G>A on the plus strand (C>T on the coding strand, the complement: NPHP4 is on the minus strand). VCF-style: chr1-5905466-G-A. GRCh37 (hg19) VCF-style: chr1-5965526-G-A.
Other names: p.Ser594Leu; c.242C>T, p.Ser81Leu (NM_001291593.2); c.245C>T, p.Ser82Leu (NM_001291594.2); short protein forms S81L, S594L, S82L.
Identifiers: ClinVar variation 876130 (VCV000876130.14), dbSNP rs576761309, ClinGen allele CA554367.